The following is an entry in ClinVar:

NM_000179.3(MSH6):c.4002-1_4010dup

Gene: MSH6 (mutS homolog 6; plus strand). Cytogenetic location: 2p16.3.
Variant type: Duplication.
Coding change: c.4002-1_4010dup on transcript NM_000179.3 (MANE Select); the canonical splice acceptor site of the intron before coding-DNA position 4002 through coding-DNA position 4010, 10 bases duplicated (GGGAAGTTTG; older notation c.4002-1_4010dupGGGAAGTTTG).
Molecular consequence: splice acceptor variant.
Genome position (GRCh38, 1-based): chr2:47,806,778-47,806,787, GGGAAGTTTG duplicated. VCF-style (leftmost placement, unchanged base first): chr2-47806777-A-AGGGAAGTTTG. GRCh37 (hg19) VCF-style: chr2-48033916-A-AGGGAAGTTTG.
Other names: c.3096-1_3104dup (NM_001281493.2, NM_001281494.2); c.3612-1_3620dup (NM_001281492.2).
Identifiers: ClinVar variation 824493 (VCV000824493.12), dbSNP rs1572749857, ClinGen allele CA915943991.
Genomic context (GRCh38, chr2:47,806,777, plus strand): 5'-GGAAGGGATGATGCACTATGAAAAAACAAAAAAACTTTTTTTTTTTTTTTTTTAATTTTA[A>AGGGAAGTTTG]GGGAAGTTTGCCTGGCTAGTGAAAGGTCAACTGTAGATGCTGAAGCTGTCCATAAATTGC-3'

ClinVar aggregate classification (germline): Uncertain significance. Review status: criteria provided, multiple submitters, no conflicts (2 of 4 stars). 3 submissions from 3 submitters: Uncertain significance (3). Last evaluated 2023-05-08.

Conditions:
Hereditary nonpolyposis colorectal neoplasms. Identifiers: MedGen C0009405, MeSH D003123.
Hereditary cancer-predisposing syndrome. Also called: Neoplastic Syndromes, Hereditary; Tumor predisposition; Hereditary neoplastic syndrome; Hereditary Cancer Syndrome. Identifiers: Orphanet 140162, MedGen C0027672, MeSH D009386, MONDO:0015356.

Submissions (3):

Ambry Genetics
Classification: Uncertain significance for Hereditary cancer-predisposing syndrome. Last evaluated: 2023-05-08. Review status: criteria provided, single submitter. Criteria: Ambry Variant Classification Scheme 2023. Collection method: clinical testing. Allele origin: germline.
Comment: The c.4002-1_4010dup10 intronic variant begins 1 nucleotide before coding exon 10 in the MSH6 gene. This variant results from a duplication of 10 nucleotides at positions c.4002-1 to c.4010. This results in a translational frameshift with a predicted alternate stop codon (p.C1337TWfs*7). Premature stop codons are typically deleterious in nature, however, this stop codon occurs at the 3' terminus of MSH6, is not expected to trigger nonsense-mediated mRNA decay, and results in alteration of six amino acids and removal of the last eighteen amino acids of the protein. The exact functional impact of these removed amino acids is unknown at this time. This nucleotide region is generally well conserved in available vertebrate species. In silico splice site analysis for this alteration is inconclusive. Since supporting evidence is limited at this time, the clinical significance of this alteration remains unclear.

Labcorp Genetics (formerly Invitae), Labcorp
Classification: Uncertain significance for Hereditary nonpolyposis colorectal neoplasms. Last evaluated: 2022-11-09. Review status: criteria provided, single submitter. Criteria: Invitae Variant Classification Sherloc (09022015). Collection method: clinical testing. Allele origin: germline.
Comment: This sequence change creates a premature translational stop signal (p.Cys1337Trpfs*7) in the MSH6 gene. While this is not anticipated to result in nonsense mediated decay, it is expected to disrupt the last 24 amino acid(s) of the MSH6 protein. This variant is not present in population databases (gnomAD no frequency). This variant has not been reported in the literature in individuals affected with MSH6-related conditions. ClinVar contains an entry for this variant (Variation ID: 824493). Experimental studies and prediction algorithms are not available or were not evaluated, and the functional significance of this variant is currently unknown. Algorithms developed to predict the effect of sequence changes on RNA splicing suggest that this variant may disrupt the consensus splice site. In summary, the available evidence is currently insufficient to determine the role of this variant in disease. Therefore, it has been classified as a Variant of Uncertain Significance.

GeneDx
Classification: Uncertain significance. Last evaluated: 2022-06-20. Review status: criteria provided, single submitter. Criteria: GeneDx Variant Classification Process June 2021. Collection method: clinical testing. Allele origin: germline. Affected: yes.
Comment: Not observed at significant frequency in large population cohorts (gnomAD); In silico analysis supports that this variant does not alter splicing; Observed in at least one individual undergoing population-based exome testing; however, no clinical details were provided (Van Hout 2020); This variant is associated with the following publications: (PMID: 33087929)